The following is an entry in ClinVar:

NM_006208.3(ENPP1):c.523G>A (p.Asp175Asn)

Gene: ENPP1 (ectonucleotide pyrophosphatase/phosphodiesterase 1; plus strand). Cytogenetic location: 6q23.2.
Variant type: single nucleotide variant.
Coding change: c.523G>A on transcript NM_006208.3 (MANE Select); coding-DNA position 523, G replaced by A.
Protein change: p.Asp175Asn; replaces aspartic acid 175 with asparagine.
Molecular consequence: missense variant.
Genome position (GRCh38, 1-based): chr6:131,851,234, G>A. VCF-style: chr6-131851234-G-A. GRCh37 (hg19) VCF-style: chr6-132172374-G-A.
Other names: p.Asp175Asn; c.523G>A (NM_006208.2); short protein forms D175N.
Identifiers: ClinVar variation 2331323 (VCV002331323.13), dbSNP rs142001296, ClinGen allele CA4001920.

ClinVar aggregate classification (germline): Conflicting classifications of pathogenicity. Review status: criteria provided, conflicting classifications (1 of 4 stars). 6 submissions from 6 submitters: Uncertain significance (4); Benign (1). 1 of the submissions does not count toward it. Last evaluated 2025-12-25.

Conditions:
ENPP1-related disorder. Also called: ENPP1-related disorders; ENPP1-related condition.
Inborn genetic diseases. Identifiers: MedGen C0950123, MeSH D030342.

Allele frequency attached by ClinVar (database versions not stated): gnomAD exomes 0.00007; ExAC 0.00012; TOPMed 0.00032; gnomAD 0.00036; ESP Exome Variant Server 0.00054.
gnomAD v4.1: 159 of 1,613,996 alleles (0.0099%); highest among the groups gnomAD compares: African/African-American, 0.081%; no homozygotes.

Submissions (6):

Labcorp Genetics (formerly Invitae), Labcorp
Classification: Benign. Last evaluated: 2025-12-25. Review status: criteria provided, single submitter. Criteria: Invitae Variant Classification Sherloc (09022015). Collection method: clinical testing. Allele origin: germline.

Women's Health and Genetics/Laboratory Corporation of America, LabCorp
Classification: Uncertain significance. Last evaluated: 2025-12-23. Review status: criteria provided, single submitter. Criteria: LabCorp Variant Classification Summary - May 2015. Collection method: clinical testing. Allele origin: germline.
Comment: Variant summary: ENPP1 c.523G>A (p.Asp175Asn) results in a conservative amino acid change in the encoded protein sequence. Algorithms developed to predict the effect of missense changes on protein structure and function are either unavailable or do not agree on the potential impact of this missense change. The variant allele was found at a frequency of 0.00011 in 251202 control chromosomes. This frequency is not significantly higher than estimated for disease-causing variants in ENPP1, allowing no conclusion about variant significance. To our knowledge, no occurrence of c.523G>A in individuals affected with ENPP1-related conditions and no experimental evidence demonstrating its impact on protein function have been reported. ClinVar contains an entry for this variant (Variation ID: 2331323). Based on the evidence outlined above, the variant was classified as uncertain significance.

Mayo Clinic Laboratories, Mayo Clinic
Classification: Uncertain significance. Last evaluated: 2025-12-06. Review status: criteria provided, single submitter. Criteria: ACMG Guidelines, 2015. Collection method: clinical testing. Allele origin: germline. Observed: 1 variant allele.
Comment: BP4

Blueprint Genetics
Classification: Uncertain significance. Last evaluated: 2024-08-29. Review status: criteria provided, single submitter. Criteria: ACMG Guidelines, 2015. Collection method: clinical testing. Allele origin: germline.

Ambry Genetics
Classification: Uncertain significance for Inborn genetic diseases. Last evaluated: 2022-02-28. Review status: criteria provided, single submitter. Criteria: Ambry Variant Classification Scheme 2023. Collection method: clinical testing. Allele origin: germline.
Comment: Unlikely to be causative of Cole disease (AD) Based on insufficient or conflicting evidence, the clinical significance of this alteration remains unclear.

PreventionGenetics, part of Exact Sciences
Classification: Uncertain significance for ENPP1-related condition. Last evaluated: 2023-11-20. Review status: no assertion criteria provided. Collection method: clinical testing. Allele origin: germline. Not counted in ClinVar's aggregate classification.
Comment: The ENPP1 c.523G>A variant is predicted to result in the amino acid substitution p.Asp175Asn. To our knowledge, this variant has not been reported in the literature. This variant is reported in 0.092% of alleles in individuals of African descent in gnomAD. Although we suspect that this variant may be benign, at this time, the clinical significance of this variant is uncertain due to the absence of conclusive functional and genetic evidence.

Literature cited by the submitters: PubMed 34666225 (cited by Mayo Clinic Laboratories, Mayo Clinic).